The following is an entry in ClinVar:

ClinVar aggregate classification (germline): Uncertain significance. Review status: criteria provided, multiple submitters, no conflicts (2 of 4 stars). 2 submissions from 2 submitters: Uncertain significance (2). Last evaluated 2026-05-26.

Conditions:
Renal cell carcinoma. Identifiers: Orphanet 217071, MedGen C0007134, MeSH D002292, MONDO:0005086, HP:0005584.
Hereditary cancer-predisposing syndrome. Also called: Hereditary neoplastic syndrome; Tumor predisposition; Hereditary Cancer Syndrome; Neoplastic Syndromes, Hereditary. Identifiers: Orphanet 140162, MedGen C0027672, MeSH D009386, MONDO:0015356.

Submissions (2):

Ambry Genetics
Classification: Uncertain significance for Hereditary cancer-predisposing syndrome. Last evaluated: 2026-05-26. Review status: criteria provided, single submitter. Criteria: Ambry Variant Classification Scheme 2023. Collection method: clinical testing. Allele origin: germline.
Comment: The p.M463L variant (also known as c.1387A>C), located in coding exon 2 of the MET gene, results from an A to C substitution at nucleotide position 1387. The methionine at codon 463 is replaced by leucine, an amino acid with highly similar properties. This amino acid position is conserved. In addition, this alteration is predicted to be tolerated by in silico analysis. Based on the available evidence, the clinical significance of this variant remains unclear.

Labcorp Genetics (formerly Invitae), Labcorp
Classification: Uncertain significance for Renal cell carcinoma. Last evaluated: 2024-11-05. Review status: criteria provided, single submitter. Criteria: Invitae Variant Classification Sherloc (09022015). Collection method: clinical testing. Allele origin: germline.
Comment: This sequence change replaces methionine, which is neutral and non-polar, with leucine, which is neutral and non-polar, at codon 463 of the MET protein (p.Met463Leu). This variant is not present in population databases (gnomAD no frequency). This variant has not been reported in the literature in individuals affected with MET-related conditions. Invitae Evidence Modeling of protein sequence and biophysical properties (such as structural, functional, and spatial information, amino acid conservation, physicochemical variation, residue mobility, and thermodynamic stability) indicates that this missense variant is not expected to disrupt MET protein function with a negative predictive value of 80%. In summary, the available evidence is currently insufficient to determine the role of this variant in disease. Therefore, it has been classified as a Variant of Uncertain Significance.

NM_000245.4(MET):c.1387A>C (p.Met463Leu)

Gene: MET (MET proto-oncogene, receptor tyrosine kinase; plus strand). Cytogenetic location: 7q31.2.
Variant type: single nucleotide variant.
Coding change: c.1387A>C on transcript NM_000245.4 (MANE Select); coding-DNA position 1387, A replaced by C.
Protein change: p.Met463Leu; replaces methionine 463 with leucine.
Molecular consequence: missense variant.
Genome position (GRCh38, 1-based): chr7:116,731,854, A>C. VCF-style: chr7-116731854-A-C. GRCh37 (hg19) VCF-style: chr7-116371908-A-C.
Other names: c.1387A>C, p.Met463Leu (NM_001127500.3, NM_001324401.3); c.97A>C, p.Met33Leu (NM_001324402.2); short protein forms M463L, M33L.
Identifiers: ClinVar variation 3667304 (VCV003667304.3).